The following is an entry in ClinVar:

ClinVar aggregate classification (germline): Uncertain significance. Review status: criteria provided, multiple submitters, no conflicts (2 of 4 stars). 3 submissions from 3 submitters: Uncertain significance (2). 1 of the submissions does not count toward it. Last evaluated 2026-04-15.

Conditions:
Bardet-Biedl syndrome 2 (BBS2). Identifiers: Orphanet 110, MedGen C2936863, MONDO:0014432, OMIM 615981.
BBS2-related disorder. Also called: BBS2-related condition; BBS2-related disorders. Identifiers: MedGen CN239228.
Bardet-Biedl syndrome (BBS). Identifiers: Orphanet 110, MedGen C0752166, MONDO:0015229.

gnomAD v4.1: 2 of 1,614,226 alleles (0.00012%); highest among the groups gnomAD compares: Middle Eastern, 0.016%; no homozygotes.

Submissions (3):

PreventionGenetics, part of Exact Sciences
Classification: Uncertain significance for BBS2-related condition. Last evaluated: 2026-04-15. Review status: criteria provided, single submitter. Criteria: ACMG Guidelines, 2015. Collection method: clinical testing. Allele origin: germline.
Comment: The BBS2 c.983T>A variant is predicted to result in the amino acid substitution p.Leu328His. To our knowledge, this variant has not been reported in the literature or in a large population database (gnomAD), indicating this variant is rare. At this time, the clinical significance of this variant is uncertain due to the absence of conclusive functional and genetic evidence.

Labcorp Genetics (formerly Invitae), Labcorp
Classification: Uncertain significance for Bardet-Biedl syndrome. Last evaluated: 2022-11-08. Review status: criteria provided, single submitter. Criteria: Invitae Variant Classification Sherloc (09022015). Collection method: clinical testing. Allele origin: germline.
Comment: In summary, the available evidence is currently insufficient to determine the role of this variant in disease. Therefore, it has been classified as a Variant of Uncertain Significance. Advanced modeling of protein sequence and biophysical properties (such as structural, functional, and spatial information, amino acid conservation, physicochemical variation, residue mobility, and thermodynamic stability) performed at Invitae indicates that this missense variant is expected to disrupt BBS2 protein function. ClinVar contains an entry for this variant (Variation ID: 861928). This variant has not been reported in the literature in individuals affected with BBS2-related conditions. This variant is not present in population databases (gnomAD no frequency). This sequence change replaces leucine, which is neutral and non-polar, with histidine, which is basic and polar, at codon 328 of the BBS2 protein (p.Leu328His).

Natera, Inc.
Classification: Uncertain significance for Bardet-Biedl syndrome type 2. Last evaluated: 2020-09-16. Review status: no assertion criteria provided. Collection method: clinical testing. Allele origin: germline. Not counted in ClinVar's aggregate classification.

NM_031885.5(BBS2):c.983T>A (p.Leu328His)

Gene: BBS2 (Bardet-Biedl syndrome 2; minus strand). Cytogenetic location: 16q13.
Variant type: single nucleotide variant.
Coding change: c.983T>A on transcript NM_031885.5 (MANE Select); coding-DNA position 983, T replaced by A.
Protein change: p.Leu328His; replaces leucine 328 with histidine.
Molecular consequence: missense variant. On other transcripts: non-coding transcript variant (5).
Genome position (GRCh38, 1-based): chr16:56,502,414, A>T on the plus strand (T>A on the coding strand, the complement: BBS2 is on the minus strand). VCF-style: chr16-56502414-A-T. GRCh37 (hg19) VCF-style: chr16-56536326-A-T.
Other names: c.983T>A, p.Leu328His (NM_001377456.1); short protein forms L328H.
Identifiers: ClinVar variation 861928 (VCV000861928.7), dbSNP rs753806664, ClinGen allele CA395980699.